The following is an entry in ClinVar:

NM_001130009.3(GEN1):c.2405C>G (p.Ser802Cys)

Gene: GEN1 (GEN1 Holliday junction 5' flap endonuclease; plus strand). Cytogenetic location: 2p24.2.
Variant type: single nucleotide variant.
Coding change: c.2405C>G on transcript NM_001130009.3 (MANE Select); coding-DNA position 2405, C replaced by G.
Protein change: p.Ser802Cys; replaces serine 802 with cysteine.
Molecular consequence: missense variant.
Genome position (GRCh38, 1-based): chr2:17,781,617, C>G. VCF-style: chr2-17781617-C-G. GRCh37 (hg19) VCF-style: chr2-17962884-C-G.
Other names: c.2405C>G, p.Ser802Cys (NM_182625.5); short protein forms S802C.
Identifiers: ClinVar variation 4029188 (VCV004029188.1).

ClinVar aggregate classification (germline): Uncertain significance (1 of 4 stars; one submission).

Submission:

Ambry Genetics
Classification: Uncertain significance. Last evaluated: 2025-03-31. Review status: criteria provided, single submitter. Criteria: Ambry Variant Classification Scheme 2023. Collection method: clinical testing. Allele origin: germline.
Comment: The p.S802C variant (also known as c.2405C>G), located in coding exon 13 of the GEN1 gene, results from a C to G substitution at nucleotide position 2405. The serine at codon 802 is replaced by cysteine, an amino acid with dissimilar properties. This amino acid position is conserved. In addition, this alteration is predicted to be tolerated by in silico analysis. Based on the available evidence, the clinical significance of this variant remains unclear.